The following is an entry in ClinVar:

NM_032119.4(ADGRV1):c.4965T>C (p.Pro1655=)

Gene: ADGRV1 (adhesion G protein-coupled receptor V1; plus strand). Cytogenetic location: 5q14.3.
Variant type: single nucleotide variant.
Coding change: c.4965T>C on transcript NM_032119.4 (MANE Select); coding-DNA position 4965, T replaced by C.
Protein change: p.Pro1655=; no amino-acid change (proline 1655 retained).
Molecular consequence: synonymous variant. On other transcripts: non-coding transcript variant (1).
Genome position (GRCh38, 1-based): chr5:90,674,089, T>C. VCF-style: chr5-90674089-T-C. GRCh37 (hg19) VCF-style: chr5-89969906-T-C.
Identifiers: ClinVar variation 505441 (VCV000505441.17), dbSNP rs755711674, ClinGen allele CA3339455.

ClinVar aggregate classification (germline): Likely benign. Review status: criteria provided, multiple submitters, no conflicts (2 of 4 stars). 5 submissions from 5 submitters: Likely benign (5). Last evaluated 2025-12-04.

Conditions:
ADGRV1-related disorder. Also called: ADGRV1-related condition; ADGRV1-related disorders.

Allele frequency attached by ClinVar (database versions not stated): ExAC 0.00002; gnomAD 0.00002 and 0.00003; gnomAD exomes 0.00002 and 0.00009; TOPMed 0.00003.
gnomAD v4.1: 130 of 1,612,960 alleles (0.0081%); highest among the groups gnomAD compares: Non-Finnish European, 0.0097%; no homozygotes.

Submissions (5):

PreventionGenetics, part of Exact Sciences
Classification: Likely benign for ADGRV1-related condition. Last evaluated: 2025-12-04. Review status: criteria provided, single submitter. Criteria: ACMG Guidelines, 2015. Collection method: clinical testing. Allele origin: germline.
Comment: This variant is classified as likely benign based on ACMG/AMP sequence variant interpretation guidelines (Richards et al. 2015 PMID: 25741868, with internal and published modifications).

Blueprint Genetics
Classification: Likely benign. Last evaluated: 2024-10-17. Review status: criteria provided, single submitter. Criteria: ACMG Guidelines, 2015. Collection method: clinical testing. Allele origin: germline.

Labcorp Genetics (formerly Invitae), Labcorp
Classification: Likely benign. Last evaluated: 2024-05-23. Review status: criteria provided, single submitter. Criteria: Invitae Variant Classification Sherloc (09022015). Collection method: clinical testing. Allele origin: germline.

GeneDx
Classification: Likely benign. Last evaluated: 2019-09-19. Review status: criteria provided, single submitter. Criteria: GeneDx Variant Classification Process June 2021. Collection method: clinical testing. Allele origin: germline. Affected: yes.

Laboratory for Molecular Medicine, Mass General Brigham Personalized Medicine
Classification: Likely benign. Last evaluated: 2016-11-17. Review status: criteria provided, single submitter. Criteria: LMM Criteria. Collection method: clinical testing. Allele origin: germline. Observed: 1 variant allele.
Comment: p.Pro1655Pro in exon 23 of GPR98: This variant is not expected to have clinical significance because it does not alter an amino acid residue and is not located within the splice consensus sequence. It has been identified in 2/63532 of Europ ean chromosomes by the Exome Aggregation Consortium (ExAC; dbSNP rs755711674).